The following is an entry in ClinVar:

ClinVar aggregate classification (germline): Uncertain significance (1 of 4 stars; one submission).

Submission:

Ambry Genetics
Classification: Uncertain significance. Last evaluated: 2025-11-24. Review status: criteria provided, single submitter. Criteria: Ambry Variant Classification Scheme 2023. Collection method: clinical testing. Allele origin: germline.
Comment: The p.A123S variant (also known as c.367G>T), located in coding exon 2 of the RNF43 gene, results from a G to T substitution at nucleotide position 367. The alanine at codon 123 is replaced by serine, an amino acid with similar properties. This amino acid position is conserved. In addition, this alteration is predicted to be tolerated by in silico analysis. Based on the available evidence, the clinical significance of this variant remains unclear.

NM_017763.6(RNF43):c.367G>T (p.Ala123Ser)

Gene: RNF43 (ring finger protein 43; minus strand). Cytogenetic location: 17q22.
Variant type: single nucleotide variant.
Coding change: c.367G>T on transcript NM_017763.6 (MANE Select); coding-DNA position 367, G replaced by T.
Protein change: p.Ala123Ser; replaces alanine 123 with serine.
Molecular consequence: missense variant. On other transcripts: 5 prime UTR variant (2).
Genome position (GRCh38, 1-based): chr17:58,370,919, C>A on the plus strand (G>T on the coding strand, the complement: RNF43 is on the minus strand). VCF-style: chr17-58370919-C-A. GRCh37 (hg19) VCF-style: chr17-56448280-C-A.
Other names: c.367G>T, p.Ala123Ser (NM_001305544.3, NM_001438820.1, NM_001438821.1 and 1 more transcripts); c.-15G>T (NM_001305545.2, NM_001437987.1); short protein forms A123S.
Identifiers: ClinVar variation 4579006 (VCV004579006.1).